The following is an entry in ClinVar:

NM_003803.4(MYOM1):c.1606G>T (p.Asp536Tyr)

Gene: MYOM1 (myomesin 1; minus strand). Cytogenetic location: 18p11.31.
Variant type: single nucleotide variant.
Coding change: c.1606G>T on transcript NM_003803.4 (MANE Select); coding-DNA position 1606, G replaced by T.
Protein change: p.Asp536Tyr; replaces aspartic acid 536 with tyrosine.
Molecular consequence: missense variant.
Genome position (GRCh38, 1-based): chr18:3,154,984, C>A on the plus strand (G>T on the coding strand, the complement: MYOM1 is on the minus strand). VCF-style: chr18-3154984-C-A. GRCh37 (hg19) VCF-style: chr18-3154982-C-A.
Other names: c.1606G>T, p.Asp536Tyr (NM_019856.2); short protein forms D536Y.
Identifiers: ClinVar variation 1718788 (VCV001718788.5), dbSNP rs367903122, ClinGen allele CA401714502.

ClinVar aggregate classification (germline): Uncertain significance (1 of 4 stars; one submission).

Conditions:
Hypertrophic cardiomyopathy. Also called: HYPERTROPHIC MYOCARDIOPATHY. Identifiers: Orphanet 217569, MedGen C0007194, MeSH D002312, MONDO:0005045, HP:0001639.

Submission:

Labcorp Genetics (formerly Invitae), Labcorp
Classification: Uncertain significance for Hypertrophic cardiomyopathy. Last evaluated: 2022-09-03. Review status: criteria provided, single submitter. Criteria: Invitae Variant Classification Sherloc (09022015). Collection method: clinical testing. Allele origin: germline.
Comment: In summary, the available evidence is currently insufficient to determine the role of this variant in disease. Therefore, it has been classified as a Variant of Uncertain Significance. Algorithms developed to predict the effect of missense changes on protein structure and function are either unavailable or do not agree on the potential impact of this missense change (SIFT: "Tolerated"; PolyPhen-2: "Probably Damaging"; Align-GVGD: "Class C0"). This variant has not been reported in the literature in individuals affected with MYOM1-related conditions. This variant is not present in population databases (gnomAD no frequency). This sequence change replaces aspartic acid, which is acidic and polar, with tyrosine, which is neutral and polar, at codon 536 of the MYOM1 protein (p.Asp536Tyr).